The following is an entry in ClinVar:

NM_001378454.1(ALMS1):c.6639C>G (p.Asp2213Glu)

Gene: ALMS1 (ALMS1 centrosome and basal body associated protein; plus strand). Cytogenetic location: 2p13.1.
Variant type: single nucleotide variant.
Coding change: c.6639C>G on transcript NM_001378454.1 (MANE Select); coding-DNA position 6639, C replaced by G.
Protein change: p.Asp2213Glu; replaces aspartic acid 2213 with glutamic acid.
Molecular consequence: missense variant.
Genome position (GRCh38, 1-based): chr2:73,453,166, C>G. VCF-style: chr2-73453166-C-G. GRCh37 (hg19) VCF-style: chr2-73680293-C-G.
Other names: c.6642C>G, p.Asp2214Glu (NM_015120.4); short protein forms D2213E, D2214E.
Identifiers: ClinVar variation 1055519 (VCV001055519.15), dbSNP rs769322538, ClinGen allele CA1714101.

ClinVar aggregate classification (germline): Conflicting classifications of pathogenicity. Review status: criteria provided, conflicting classifications (1 of 4 stars). 5 submissions from 5 submitters: Uncertain significance (3); Likely benign (1). 1 of the submissions does not count toward it. Last evaluated 2026-09-04.

Conditions:
Alstrom syndrome (ALMS). Identifiers: Orphanet 64, MedGen C0268425, MONDO:0008763, OMIM 203800.
Cardiovascular phenotype. Identifiers: MedGen CN230736.

Allele frequency attached by ClinVar (database versions not stated): ExAC 0.00001; gnomAD 0.00001; gnomAD exomes 0.00001; TOPMed 0.00002.
gnomAD v4.1: 7 of 1,613,916 alleles (0.00043%); highest among the groups gnomAD compares: Admixed American, 0.012%; no homozygotes.

Submissions (5):

GeneDx
Classification: Uncertain significance. Last evaluated: 2026-09-04. Review status: criteria provided, single submitter. Criteria: GeneDx Variant Classification Process June 2021. Collection method: clinical testing. Allele origin: germline.
Comment: Not observed at significant frequency in large population cohorts (gnomAD); In silico analysis suggests that this missense variant does not alter protein structure/function; Has not been previously published as pathogenic or benign to our knowledge

Blueprint Genetics
Classification: Uncertain significance. Last evaluated: 2024-09-11. Review status: criteria provided, single submitter. Criteria: ACMG Guidelines, 2015. Collection method: clinical testing. Allele origin: germline.

Ambry Genetics
Classification: Likely benign for Cardiovascular phenotype. Last evaluated: 2023-12-20. Review status: criteria provided, single submitter. Criteria: Ambry Variant Classification Scheme 2023. Collection method: clinical testing. Allele origin: germline.

Labcorp Genetics (formerly Invitae), Labcorp
Classification: Uncertain significance for Alstrom syndrome. Last evaluated: 2023-08-10. Review status: criteria provided, single submitter. Criteria: Invitae Variant Classification Sherloc (09022015). Collection method: clinical testing. Allele origin: germline.
Comment: Experimental studies and prediction algorithms are not available or were not evaluated, and the functional significance of this variant is currently unknown. ClinVar contains an entry for this variant (Variation ID: 1055519). This variant has not been reported in the literature in individuals affected with ALMS1-related conditions. This variant is present in population databases (rs769322538, gnomAD 0.009%). This sequence change replaces aspartic acid, which is acidic and polar, with glutamic acid, which is acidic and polar, at codon 2214 of the ALMS1 protein (p.Asp2214Glu). In summary, the available evidence is currently insufficient to determine the role of this variant in disease. Therefore, it has been classified as a Variant of Uncertain Significance.

Natera, Inc.
Classification: Uncertain significance for Alstrom syndrome. Last evaluated: 2020-11-04. Review status: no assertion criteria provided. Collection method: clinical testing. Allele origin: germline. Not counted in ClinVar's aggregate classification.